The following is an entry in ClinVar:

NM_004444.5(EPHB4):c.2791G>T (p.Ala931Ser)

Gene: EPHB4 (EPH receptor B4; minus strand). Cytogenetic location: 7q22.1.
Variant type: single nucleotide variant.
Coding change: c.2791G>T on transcript NM_004444.5 (MANE Select); coding-DNA position 2791, G replaced by T.
Protein change: p.Ala931Ser; replaces alanine 931 with serine.
Molecular consequence: missense variant.
Genome position (GRCh38, 1-based): chr7:100,805,209, C>A on the plus strand (G>T on the coding strand, the complement: EPHB4 is on the minus strand). VCF-style: chr7-100805209-C-A. GRCh37 (hg19) VCF-style: chr7-100402831-C-A.
Other names: short protein forms A931S.
Identifiers: ClinVar variation 5036043 (VCV005036043.1).

ClinVar aggregate classification (germline): Uncertain significance (1 of 4 stars; one submission).

Conditions:
Cardiovascular phenotype. Identifiers: MedGen CN230736.

Submission:

Ambry Genetics
Classification: Uncertain significance for Cardiovascular phenotype. Last evaluated: 2026-07-09. Review status: criteria provided, single submitter. Criteria: Ambry Variant Classification Scheme 2023. Collection method: clinical testing. Allele origin: germline.
Comment: The p.A931S variant (also known as c.2791G>T), located in coding exon 16 of the EPHB4 gene, results from a G to T substitution at nucleotide position 2791. The alanine at codon 931 is replaced by serine, an amino acid with similar properties. This amino acid position is conserved. In addition, this alteration is predicted to be tolerated by in silico analysis. Based on the available evidence, the clinical significance of this variant remains unclear.